The following is an entry in ClinVar:

NM_001928.4(CFD):c.582G>A (p.Met194Ile)

Gene: CFD (complement factor D; plus strand). Cytogenetic location: 19p13.3.
Variant type: single nucleotide variant.
Coding change: c.582G>A on transcript NM_001928.4 (MANE Select); coding-DNA position 582, G replaced by A.
Protein change: p.Met194Ile; replaces methionine 194 with isoleucine.
Molecular consequence: missense variant.
Genome position (GRCh38, 1-based): chr19:861,923, G>A. VCF-style: chr19-861923-G-A. GRCh37 (hg19) VCF-style: chr19-861923-G-A.
Other names: c.603G>A, p.Met201Ile (NM_001317335.2); short protein forms M194I, M201I.
Identifiers: ClinVar variation 4770993 (VCV004770993.1).

ClinVar aggregate classification (germline): Uncertain significance (1 of 4 stars; one submission).

Submission:

Labcorp Genetics (formerly Invitae), Labcorp
Classification: Uncertain significance. Last evaluated: 2025-02-02. Review status: criteria provided, single submitter. Criteria: Invitae Variant Classification Sherloc (09022015). Collection method: clinical testing. Allele origin: germline.
Comment: This sequence change replaces methionine, which is neutral and non-polar, with isoleucine, which is neutral and non-polar, at codon 194 of the CFD protein (p.Met194Ile). The frequency data for this variant in the population databases is considered unreliable, as metrics indicate poor data quality at this position in the gnomAD database. This variant has not been reported in the literature in individuals affected with CFD-related conditions. An algorithm developed to predict the effect of missense changes on protein structure and function outputs the following: PolyPhen-2: "Benign". The isoleucine amino acid residue is found in multiple mammalian species, which suggests that this missense change does not adversely affect protein function. In summary, the available evidence is currently insufficient to determine the role of this variant in disease. Therefore, it has been classified as a Variant of Uncertain Significance.